The following is an entry in ClinVar:

NM_000038.6(APC):c.5909G>C (p.Ser1970Thr)

Gene: APC (APC regulator of Wnt signaling pathway; plus strand). Cytogenetic location: 5q22.2.
Variant type: single nucleotide variant.
Coding change: c.5909G>C on transcript NM_000038.6 (MANE Select); coding-DNA position 5909, G replaced by C.
Protein change: p.Ser1970Thr; replaces serine 1970 with threonine.
Molecular consequence: missense variant.
Genome position (GRCh38, 1-based): chr5:112,841,503, G>C. VCF-style: chr5-112841503-G-C. GRCh37 (hg19) VCF-style: chr5-112177200-G-C.
Other names: c.5909G>C, p.Ser1970Thr (NM_001127510.3, NM_001354895.2); c.5855G>C, p.Ser1952Thr (NM_001127511.3); c.5963G>C, p.Ser1988Thr (NM_001354896.2); c.5939G>C, p.Ser1980Thr (NM_001354897.2); c.5834G>C, p.Ser1945Thr (NM_001354898.2); c.5825G>C, p.Ser1942Thr (NM_001354899.2); c.5786G>C, p.Ser1929Thr (NM_001354900.2); c.5732G>C, p.Ser1911Thr (NM_001354901.2); and 5 more; short protein forms S1952T, S1970T, S1810T, S1869T, S1687T, S1929T, S1844T, S1911T.
Identifiers: ClinVar variation 236623 (VCV000236623.9), dbSNP rs753781948, ClinGen allele CA10582327.

ClinVar aggregate classification (germline): Uncertain significance (1 of 4 stars; one submission).

Conditions:
Familial adenomatous polyposis 1 (FAP1). Also called: FAMILIAL ADENOMATOUS POLYPOSIS 1, ATTENUATED; POLYPOSIS, ADENOMATOUS INTESTINAL. Identifiers: MedGen C2713442, MONDO:0021056, OMIM 175100. Disease mechanism: loss of function.

Submission:

Labcorp Genetics (formerly Invitae), Labcorp
Classification: Uncertain significance for Familial adenomatous polyposis 1. Last evaluated: 2016-01-12. Review status: criteria provided, single submitter. Criteria: Invitae Variant Classification Sherloc (09022015). Collection method: clinical testing. Allele origin: germline.
Comment: Algorithms developed to predict the effect of missense changes on protein structure and function do not agree on the potential impact of this missense change (SIFT: "Tolerated"; PolyPhen-2: "Probably Damaging"; Align-GVGD: "Class C0"). This variant is not present in population databases (ExAC no frequency) and has not been reported in the literature in individuals with a APC-related disease. In summary, this is a novel missense change with uncertain impact on protein function. It has been classified as a Variant of Uncertain Significance. This sequence change replaces serine with threonine at codon 1970 of the APC protein (p.Ser1970Thr). The serine residue is highly conserved and there is a small physicochemical difference between serine and threonine.